The following is an entry in ClinVar:

ClinVar aggregate classification (germline): Pathogenic (1 of 4 stars; one submission).

Conditions:
Fanconi anemia (FA). Also called: Fanconi's anemia. Identifiers: Orphanet 84, MedGen C0015625, MeSH D005199, MONDO:0019391.

Submission:

Labcorp Genetics (formerly Invitae), Labcorp
Classification: Pathogenic for Fanconi anemia. Last evaluated: 2023-10-17. Review status: criteria provided, single submitter. Criteria: Invitae Variant Classification Sherloc (09022015). Collection method: clinical testing. Allele origin: germline.
Comment: This sequence change creates a premature translational stop signal (p.Gln826*) in the FANCI gene. It is expected to result in an absent or disrupted protein product. Loss-of-function variants in FANCI are known to be pathogenic (PMID: 17452773, 17460694). This variant is not present in population databases (gnomAD no frequency). This variant has not been reported in the literature in individuals affected with FANCI-related conditions. Algorithms developed to predict the effect of sequence changes on RNA splicing suggest that this variant may disrupt the consensus splice site. For these reasons, this variant has been classified as Pathogenic.

Literature cited by the submitters: PubMed 17452773; PubMed 17460694.

NM_001113378.2(FANCI):c.2476C>T (p.Gln826Ter)

Gene: FANCI (FA complementation group I; plus strand). Cytogenetic location: 15q26.1.
Variant type: single nucleotide variant.
Coding change: c.2476C>T on transcript NM_001113378.2 (MANE Select); coding-DNA position 2476, C replaced by T.
Protein change: p.Gln826Ter; replaces glutamine 826 with a stop codon.
Molecular consequence: nonsense. On other transcripts: intron variant (1).
Genome position (GRCh38, 1-based): chr15:89,294,934, C>T. VCF-style: chr15-89294934-C-T. GRCh37 (hg19) VCF-style: chr15-89838165-C-T.
Other names: c.2197C>T, p.Gln733Ter (NM_001376910.1); c.2476C>T, p.Gln826Ter (NM_001376911.1); c.2456+937C>T (NM_018193.3); short protein forms Q826*, Q733*.
Identifiers: ClinVar variation 2916394 (VCV002916394.3), dbSNP rs2507505865, ClinGen allele CA393750641.